The following is an entry in ClinVar:

NM_006721.4(ADK):c.157A>G (p.Asn53Asp)

Gene: ADK (adenosine kinase; plus strand). Cytogenetic location: 10q22.2.
Variant type: single nucleotide variant.
Coding change: c.157A>G on transcript NM_006721.4 (MANE Select); coding-DNA position 157, A replaced by G.
Protein change: p.Asn53Asp; replaces asparagine 53 with aspartic acid.
Molecular consequence: missense variant. On other transcripts: intron variant (1).
Genome position (GRCh38, 1-based): chr10:74,224,554, A>G. VCF-style: chr10-74224554-A-G. GRCh37 (hg19) VCF-style: chr10-75984312-A-G.
Other names: c.106A>G, p.Asn36Asp (NM_001123.4, NM_001369124.1); c.157A>G, p.Asn53Asp (NM_001202450.2, NM_001369123.1); c.89+23716A>G (NM_001202449.2); c.157A>G (NM_006721.3); short protein forms N36D, N53D.
Identifiers: ClinVar variation 1918580 (VCV001918580.4), dbSNP rs745774033, ClinGen allele CA5563887.
Genomic context (GRCh38, chr10:74,224,554, plus strand): 5'-ACTGTGTGTGTATGAAGAGTGTAATTTTCGTTTCTGTTATACAGGTATTCTCTGAAACCA[A>G]ATGACCAAATCTTGGCTGAAGACAAACACAAGGAACTGTAAGTGCATTAAACCATTGGTT-3'
Protein context (NP_006712.2, residues 43-63): DFLDKYSLKP[Asn53Asp]DQILAEDKHK

ClinVar aggregate classification (germline): Uncertain significance. Review status: criteria provided, multiple submitters, no conflicts (2 of 4 stars). 2 submissions from 2 submitters: Uncertain significance (2). Last evaluated 2024-09-10.

Conditions:
Inborn genetic diseases. Identifiers: MedGen C0950123, MeSH D030342.

Allele frequency attached by ClinVar (database versions not stated): ExAC 0.00001; gnomAD 0.00001; gnomAD exomes 0.00001; TOPMed 0.00004.
gnomAD v4.1: 18 of 1,613,596 alleles (0.0011%); highest among the groups gnomAD compares: Admixed American, 0.0033%; no homozygotes.

Submissions (2):

Ambry Genetics
Classification: Uncertain significance for Inborn genetic diseases. Last evaluated: 2024-09-10. Review status: criteria provided, single submitter. Criteria: Ambry Variant Classification Scheme 2023. Collection method: clinical testing. Allele origin: germline.

Labcorp Genetics (formerly Invitae), Labcorp
Classification: Uncertain significance. Last evaluated: 2022-07-14. Review status: criteria provided, single submitter. Criteria: Invitae Variant Classification Sherloc (09022015). Collection method: clinical testing. Allele origin: germline.
Comment: In summary, the available evidence is currently insufficient to determine the role of this variant in disease. Therefore, it has been classified as a Variant of Uncertain Significance. Algorithms developed to predict the effect of missense changes on protein structure and function are either unavailable or do not agree on the potential impact of this missense change (SIFT: "Deleterious"; PolyPhen-2: "Benign"; Align-GVGD: "Class C0"). This variant has not been reported in the literature in individuals affected with ADK-related conditions. This variant is present in population databases (rs745774033, gnomAD 0.0009%). This sequence change replaces asparagine, which is neutral and polar, with aspartic acid, which is acidic and polar, at codon 36 of the ADK protein (p.Asn36Asp).